The following is an entry in ClinVar:

NM_001356.5(DDX3X):c.419T>C (p.Leu140Pro)

Gene: DDX3X (DEAD-box helicase 3 X-linked; plus strand). Cytogenetic location: Xp11.4.
Variant type: single nucleotide variant.
Coding change: c.419T>C on transcript NM_001356.5 (MANE Select); coding-DNA position 419, T replaced by C.
Protein change: p.Leu140Pro; replaces leucine 140 with proline.
Molecular consequence: missense variant. On other transcripts: 5 prime UTR variant (1), non-coding transcript variant (1).
Genome position (GRCh38, 1-based): chrX:41,342,629, T>C. VCF-style: chrX-41342629-T-C. GRCh37 (hg19) VCF-style: chrX-41201882-T-C.
Other names: c.419T>C, p.Leu140Pro (NM_001193416.3); c.371T>C, p.Leu124Pro (NM_001193417.3); c.-140T>C (NM_001363819.1); short protein forms L124P, L140P.
Identifiers: ClinVar variation 4681111 (VCV004681111.1).

ClinVar aggregate classification (germline): Uncertain significance (1 of 4 stars; one submission).

Submission:

GeneDx
Classification: Uncertain significance. Last evaluated: 2025-07-05. Review status: criteria provided, single submitter. Criteria: GeneDx Variant Classification Process June 2021. Collection method: clinical testing. Allele origin: germline. Affected: yes.
Comment: Not observed at significant frequency in large population cohorts (gnomAD); In silico analysis supports that this missense variant has a deleterious effect on protein structure/function; Has not been previously published as pathogenic or benign to our knowledge